The following is an entry in ClinVar:

NM_021147.5(CCNO):c.866C>T (p.Ala289Val)

Gene: CCNO (cyclin O; minus strand). Cytogenetic location: 5q11.2.
Variant type: single nucleotide variant.
Coding change: c.866C>T on transcript NM_021147.5 (MANE Select); coding-DNA position 866, C replaced by T.
Protein change: p.Ala289Val; replaces alanine 289 with valine.
Molecular consequence: missense variant. On other transcripts: non-coding transcript variant (3).
Genome position (GRCh38, 1-based): chr5:55,231,562, G>A on the plus strand (C>T on the coding strand, the complement: CCNO is on the minus strand). VCF-style: chr5-55231562-G-A. GRCh37 (hg19) VCF-style: chr5-54527390-G-A.
Other names: short protein forms A289V.
Identifiers: ClinVar variation 840736 (VCV000840736.7), dbSNP rs773419820, ClinGen allele CA3266662.

ClinVar aggregate classification (germline): Uncertain significance (1 of 4 stars; one submission).

Conditions:
Primary ciliary dyskinesia. Also called: Ciliary dyskinesia. Identifiers: Orphanet 244, MedGen C0008780, MONDO:0016575, HP:0012265.

Allele frequency attached by ClinVar (database versions not stated): gnomAD 0.00001; ExAC 0.00003.
gnomAD v4.1: 10 of 1,613,464 alleles (0.00062%); highest among the groups gnomAD compares: Non-Finnish European, 0.00076%; no homozygotes.

Submission:

Labcorp Genetics (formerly Invitae), Labcorp
Classification: Uncertain significance for Primary ciliary dyskinesia. Last evaluated: 2021-10-23. Review status: criteria provided, single submitter. Criteria: Invitae Variant Classification Sherloc (09022015). Collection method: clinical testing. Allele origin: germline.
Comment: In summary, the available evidence is currently insufficient to determine the role of this variant in disease. Therefore, it has been classified as a Variant of Uncertain Significance. Algorithms developed to predict the effect of missense changes on protein structure and function are either unavailable or do not agree on the potential impact of this missense change (SIFT: "Tolerated"; PolyPhen-2: "Possibly Damaging"; Align-GVGD: "Class C0"). This variant has not been reported in the literature in individuals affected with CCNO-related conditions. This variant is present in population databases (rs773419820, ExAC 0.009%). This sequence change replaces alanine with valine at codon 289 of the CCNO protein (p.Ala289Val). The alanine residue is weakly conserved and there is a small physicochemical difference between alanine and valine.